The following is an entry in ClinVar:

ClinVar aggregate classification (germline): Uncertain significance (1 of 4 stars; one submission).

Allele frequency attached by ClinVar (database versions not stated): 1000 Genomes Project 0.00020; gnomAD 0.00002; gnomAD exomes 0.00003; ExAC 0.00010; 1000 Genomes Project 30x 0.00016.
gnomAD v4.1: 42 of 1,611,874 alleles (0.0026%); highest among the groups gnomAD compares: South Asian, 0.046%; no homozygotes.

Submission:

Labcorp Genetics (formerly Invitae), Labcorp
Classification: Uncertain significance. Last evaluated: 2022-04-17. Review status: criteria provided, single submitter. Criteria: Invitae Variant Classification Sherloc (09022015). Collection method: clinical testing. Allele origin: germline.
Comment: In summary, the available evidence is currently insufficient to determine the role of this variant in disease. Therefore, it has been classified as a Variant of Uncertain Significance. Algorithms developed to predict the effect of missense changes on protein structure and function are either unavailable or do not agree on the potential impact of this missense change (SIFT: "Deleterious"; PolyPhen-2: "Possibly Damaging"; Align-GVGD: "Class C0"). This variant has not been reported in the literature in individuals affected with ASPM-related conditions. This variant is present in population databases (rs558511858, gnomAD 0.06%). This sequence change replaces arginine, which is basic and polar, with threonine, which is neutral and polar, at codon 2894 of the ASPM protein (p.Arg2894Thr).

NM_018136.5(ASPM):c.8681G>C (p.Arg2894Thr)

Gene: ASPM (assembly factor for spindle microtubules; minus strand). Cytogenetic location: 1q31.3.
Variant type: single nucleotide variant.
Coding change: c.8681G>C on transcript NM_018136.5 (MANE Select); coding-DNA position 8681, G replaced by C.
Protein change: p.Arg2894Thr; replaces arginine 2894 with threonine.
Molecular consequence: missense variant. On other transcripts: intron variant (1).
Genome position (GRCh38, 1-based): chr1:197,100,570, C>G on the plus strand (G>C on the coding strand, the complement: ASPM is on the minus strand). VCF-style: chr1-197100570-C-G. GRCh37 (hg19) VCF-style: chr1-197069700-C-G.
Other names: c.4066-4406G>C (NM_001206846.2); short protein forms R2894T.
Identifiers: ClinVar variation 2146962 (VCV002146962.4), dbSNP rs558511858, ClinGen allele CA1309173.